The following is an entry in ClinVar:

NM_004006.3(DMD):c.7922A>G (p.Asn2641Ser)

Gene: DMD (dystrophin; minus strand). Cytogenetic location: Xp21.1.
Variant type: single nucleotide variant.
Coding change: c.7922A>G on transcript NM_004006.3 (MANE Select); coding-DNA position 7922, A replaced by G.
Protein change: p.Asn2641Ser; replaces asparagine 2641 with serine.
Molecular consequence: missense variant.
Genome position (GRCh38, 1-based): chrX:31,658,095, T>C on the plus strand (A>G on the coding strand, the complement: DMD is on the minus strand). VCF-style: chrX-31658095-T-C. GRCh37 (hg19) VCF-style: chrX-31676212-T-C.
Other names: c.7898A>G, p.Asn2633Ser (NM_000109.4); c.7910A>G, p.Asn2637Ser (NM_004009.3); c.7553A>G, p.Asn2518Ser (NM_004010.3); c.3899A>G, p.Asn1300Ser (NM_004011.4); c.3890A>G, p.Asn1297Ser (NM_004012.4); c.542A>G, p.Asn181Ser (NM_004013.3, NM_004020.4, NM_004021.3 and 2 more transcripts); short protein forms N2633S, N2641S, N2518S, N1297S, N1300S, N181S, N2637S.
Identifiers: ClinVar variation 2854760 (VCV002854760.3), dbSNP rs976782785, ClinGen allele CA328460871.
Genomic context (GRCh38, chrX:31,658,095, plus strand): 5'-ATGTGGACTTTTCTGGTATCATCTGCAGAATAATCCCGGAGAAGTTTCAGGGCCAAGTCA[T>C]TTGCCACATCTACATTTGTCTGCCACTGGCGGAGGTCTTTGGCCAACTGCTATAGATTTT-3'
Protein context (NP_003997.2, residues 2631-2651): RQWQTNVDVA[Asn2641Ser]DLALKLLRDY

ClinVar aggregate classification (germline): Uncertain significance (1 of 4 stars; one submission).

Conditions:
Duchenne muscular dystrophy (DMD). Also called: MUSCULAR DYSTROPHY, PSEUDOHYPERTROPHIC PROGRESSIVE, DUCHENNE TYPE; Duchenne Muscular Dystrophy (DMD). Identifiers: Orphanet 98896, MedGen C0013264, MONDO:0010679, OMIM 310200.

Allele frequency attached by ClinVar (database versions not stated): gnomAD 0.00001.
gnomAD v4.1: 1 of 1,210,375 alleles (0.000083%); highest among the groups gnomAD compares: African/African-American, 0.0017%; no homozygotes.

Submission:

Labcorp Genetics (formerly Invitae), Labcorp
Classification: Uncertain significance for Duchenne muscular dystrophy. Last evaluated: 2024-05-20. Review status: criteria provided, single submitter. Criteria: Invitae Variant Classification Sherloc (09022015). Collection method: clinical testing. Allele origin: germline.
Comment: This sequence change replaces asparagine, which is neutral and polar, with serine, which is neutral and polar, at codon 2641 of the DMD protein (p.Asn2641Ser). This variant is not present in population databases (gnomAD no frequency). This variant has not been reported in the literature in individuals affected with DMD-related conditions. Advanced modeling of protein sequence and biophysical properties (such as structural, functional, and spatial information, amino acid conservation, physicochemical variation, residue mobility, and thermodynamic stability) performed at Invitae indicates that this missense variant is not expected to disrupt DMD protein function with a negative predictive value of 95%. In summary, the available evidence is currently insufficient to determine the role of this variant in disease. Therefore, it has been classified as a Variant of Uncertain Significance.